The following is an entry in ClinVar:

ClinVar aggregate classification (germline): Uncertain significance (1 of 4 stars; one submission).

Conditions:
PKD1-related disorder. Also called: PKD1-related condition.

Submission:

PreventionGenetics, part of Exact Sciences
Classification: Uncertain significance for PKD1-related condition. Last evaluated: 2025-11-24. Review status: criteria provided, single submitter. Criteria: ACMG Guidelines, 2015. Collection method: clinical testing. Allele origin: germline.
Comment: The PKD1 c.5507G>A variant is predicted to result in the amino acid substitution p.Ser1836Asn. To our knowledge, this variant has not been reported in the literature or in a large population database (gnomAD), indicating this variant is rare. At this time, the clinical significance of this variant is uncertain due to the absence of conclusive functional and genetic evidence.

NM_001009944.3(PKD1):c.5507G>A (p.Ser1836Asn)

Gene: PKD1 (polycystin 1, transient receptor potential channel interacting; minus strand). Cytogenetic location: 16p13.3.
Variant type: single nucleotide variant.
Coding change: c.5507G>A on transcript NM_001009944.3 (MANE Select); coding-DNA position 5507, G replaced by A.
Protein change: p.Ser1836Asn; replaces serine 1836 with asparagine.
Molecular consequence: missense variant.
Genome position (GRCh38, 1-based): chr16:2,109,660, C>T on the plus strand (G>A on the coding strand, the complement: PKD1 is on the minus strand). VCF-style: chr16-2109660-C-T. GRCh37 (hg19) VCF-style: chr16-2159661-C-T.
Other names: c.5507G>A, p.Ser1836Asn (NM_000296.4); short protein forms S1836N.
Identifiers: ClinVar variation 4994166 (VCV004994166.1).